The following is an entry in ClinVar:

NM_138295.5(PKD1L1):c.1071del (p.His358fs)

Gene: PKD1L1 (polycystin 1 like 1, transient receptor potential channel interacting; minus strand). Cytogenetic location: 7p12.3.
Variant type: Deletion.
Coding change: c.1071del on transcript NM_138295.5 (MANE Select); coding-DNA position 1071, one base deleted (T; older notation c.1071delT).
Protein change: p.His358fs; shifts the reading frame from histidine 358.
Molecular consequence: frameshift variant.
Genome position (GRCh38, 1-based): chr7:47,915,589, A deleted on the plus strand (T on the coding strand, the reverse complement: PKD1L1 is on the minus strand); the first of 8 consecutive A bases (chr7:47,915,589-47,915,596); deleting any one gives the same sequence. VCF-style (leftmost placement, unchanged base first): chr7-47915588-GA-G. GRCh37 (hg19) VCF-style: chr7-47955185-GA-G.
Other names: c.1071delT (NM_138295.5, NM_138295.3); short protein forms H358fs.
Identifiers: ClinVar variation 2627967 (VCV002627967.5), dbSNP rs544774439, ClinGen allele CA4254155.

ClinVar aggregate classification (germline): Conflicting classifications of pathogenicity. Review status: criteria provided, conflicting classifications (1 of 4 stars). 5 submissions from 5 submitters: Likely pathogenic (2); Uncertain significance (3). Last evaluated 2026-07-27.

Conditions:
PKD1L1-related disorder. Also called: PKD1L1-related condition.
Fetal anomalies with a likely genetic cause.
Heterotaxy, visceral, 8, autosomal (HTX8). Identifiers: MedGen C4310668, MONDO:0014967, OMIM 617205.

Submissions (5):

Genetics Laboratory, Great Ormond Street Hospital NHS Foundation Trust, North Thames Genomic Laboratory Hub
Classification: Uncertain significance for Fetal anomalies with a likely genetic cause. Last evaluated: 2026-07-27. Review status: criteria provided, single submitter. Criteria: ACGS Best Practice Guidelines for Variant Classification in Rare Disease 2024 v1.2. Collection method: clinical testing. Allele origin: germline. Affected: yes.
Comment: PVS1_very-strong

PreventionGenetics, part of Exact Sciences
Classification: Uncertain significance for PKD1L1-related condition. Last evaluated: 2026-04-07. Review status: criteria provided, single submitter. Criteria: ACMG Guidelines, 2015. Collection method: clinical testing. Allele origin: germline.
Comment: The PKD1L1 c.1071delT variant is predicted to result in a frameshift and premature protein termination (p.His358Ilefs*22). To our knowledge, this variant has not been reported in the literature, but has been reported in a public population database in 2 homozygous individuals. At this time, the clinical significance of this variant is uncertain due to the absence of conclusive functional and genetic evidence.

First Genomix Gene Laboratory, Genetic Diagnostics Department
Classification: Likely pathogenic for Heterotaxy, visceral, 8, autosomal. Last evaluated: 2025-03-27. Review status: criteria provided, single submitter. Criteria: ACMG Guidelines, 2015. Collection method: clinical testing. Allele origin: germline. Inheritance: Autosomal recessive inheritance. Affected: no. Observed: 1 variant allele.

Revvity Omics, Revvity
Classification: Uncertain significance for Heterotaxy, visceral, 8, autosomal. Last evaluated: 2024-05-16. Review status: criteria provided, single submitter. Criteria: ACMG Guidelines, 2015. Collection method: clinical testing. Allele origin: germline.

Neuberg Centre For Genomic Medicine, NCGM
Classification: Likely pathogenic for Heterotaxy, visceral, 8, autosomal. Review status: criteria provided, single submitter. Criteria: ACMG Guidelines, 2015. Collection method: clinical testing. Allele origin: germline. Inheritance: Autosomal recessive inheritance. Affected: yes.
Comment: The frameshift deletion p.H358Ifs*22 in PKD1L1 (NM_138295.5) has not been reported previously as a pathogenic variant nor as a benign variant, to our knowledge. The p.H358Ifs*22 variant has a gnomAD frequency of 0.07584 %. This variant is predicted to cause loss of normal protein function through protein truncation caused a frameshift mutation. The p.H358Ifs*22 variant is a loss of function variant in the gene PKD1L1, which is intolerant of Loss of Function variants. For these reasons, this variant has been classified as Likely Pathogenic.